The following is an entry in ClinVar:

ClinVar aggregate classification (germline): Benign. Review status: criteria provided, multiple submitters, no conflicts (2 of 4 stars). 5 submissions from 5 submitters: Benign (5). Last evaluated 2026-02-04.

Conditions:
Multicentric osteolysis nodulosis arthropathy spectrum. Identifiers: Orphanet 3460, Orphanet 371428, MedGen C1850155, MONDO:0018298.

Allele frequency attached by ClinVar (database versions not stated): gnomAD 0.05988 and 0.06342; TOPMed 0.06188; ESP Exome Variant Server 0.06225; gnomAD exomes 0.07257 and 0.07284; ExAC 0.07431; 1000 Genomes Project 30x 0.08901; 1000 Genomes Project 0.08926.
gnomAD v4.1: 116,472 of 1,614,064 alleles (7.2%); highest among the groups gnomAD compares: East Asian, 15%; 4,711 homozygotes.

Submissions (5):

Labcorp Genetics (formerly Invitae), Labcorp
Classification: Benign. Last evaluated: 2026-02-04. Review status: criteria provided, single submitter. Criteria: Invitae Variant Classification Sherloc (09022015). Collection method: clinical testing. Allele origin: germline.

Genome-Nilou Lab
Classification: Benign for Multicentric osteolysis, nodulosis, and arthropathy. Last evaluated: 2021-09-05. Review status: criteria provided, single submitter. Criteria: ACMG Guidelines, 2015. Collection method: clinical testing. Allele origin: germline. Affected: no.

GeneDx
Classification: Benign. Last evaluated: 2018-11-12. Review status: criteria provided, single submitter. Criteria: GeneDx Variant Classification Process June 2021. Collection method: clinical testing. Allele origin: germline. Affected: yes.

Illumina Laboratory Services, Illumina
Classification: Benign for Multicentric osteolysis, nodulosis, and arthropathy. Last evaluated: 2018-01-13. Review status: criteria provided, single submitter. Criteria: ICSL Variant Classification Criteria 13 December 2019. Collection method: clinical testing. Allele origin: germline.
Comment: This variant was observed in the ICSL laboratory as part of a predisposition screen in an ostensibly healthy population. It had not been previously curated by ICSL or reported in the Human Gene Mutation Database (HGMD: prior to June 1st, 2018), and was therefore a candidate for classification through an automated scoring system. Utilizing variant allele frequency, disease prevalence and penetrance estimates, and inheritance mode, an automated score was calculated to assess if this variant is too frequent to cause the disease. Based on the score and internal cut-off values, a variant classified as benign is not then subjected to further curation. The score for this variant resulted in a classification of benign for this disease.

Breakthrough Genomics
Classification: Benign. Review status: criteria provided, single submitter. Criteria: ACMG Guidelines, 2015. Collection method: not provided. Allele origin: germline. Inheritance: Autosomal recessive inheritance. Affected: yes.

NM_004530.6(MMP2):c.750C>T (p.Thr250=)

Gene: MMP2 (matrix metallopeptidase 2; plus strand). Cytogenetic location: 16q12.2.
Variant type: single nucleotide variant.
Coding change: c.750C>T on transcript NM_004530.6 (MANE Select); coding-DNA position 750, C replaced by T.
Protein change: p.Thr250=; no amino-acid change (threonine 250 retained).
Molecular consequence: synonymous variant.
Genome position (GRCh38, 1-based): chr16:55,485,695, C>T. VCF-style: chr16-55485695-C-T. GRCh37 (hg19) VCF-style: chr16-55519607-C-T.
Other names: c.600C>T, p.Thr200= (NM_001127891.3); c.522C>T, p.Thr174= (NM_001302508.1, NM_001302509.2, NM_001302510.2).
Identifiers: ClinVar variation 319751 (VCV000319751.19), dbSNP rs1053605, ClinGen allele CA8060182.